The following is an entry in ClinVar:

NM_003873.7(NRP1):c.1598G>T (p.Ser533Ile)

Gene: NRP1 (neuropilin 1; minus strand). Cytogenetic location: 10p11.22.
Variant type: single nucleotide variant.
Coding change: c.1598G>T on transcript NM_003873.7 (MANE Select); coding-DNA position 1598, G replaced by T.
Protein change: p.Ser533Ile; replaces serine 533 with isoleucine.
Molecular consequence: missense variant. On other transcripts: non-coding transcript variant (1).
Genome position (GRCh38, 1-based): chr10:33,213,402, C>A on the plus strand (G>T on the coding strand, the complement: NRP1 is on the minus strand). VCF-style: chr10-33213402-C-A. GRCh37 (hg19) VCF-style: chr10-33502330-C-A.
Other names: c.1598G>T, p.Ser533Ile (NM_001024628.3, NM_001024629.3, NM_001244972.2 and 2 more transcripts); short protein forms S533I.
Identifiers: ClinVar variation 4999759 (VCV004999759.1).
Genomic context (GRCh38, chr10:33,213,402, plus strand): 5'-TCAAGGACATAAGGGATGACCTCCTCCCAGTCCCCAGCCCTCACCTTCGCCTTGCGTTTG[C>A]TGTCATCCATGATCATCTTCCAGTCCGAGCCGTTGTTGCTGTACCCGATCTTGAACTTCC-3'
Protein context (NP_003864.5, residues 523-543): GSDWKMIMDD[Ser533Ile]KRKAKSFEGN

ClinVar aggregate classification (germline): Uncertain significance (1 of 4 stars; one submission).

Conditions:
NRP1-related disorder. Also called: NRP1-related condition.

Submission:

PreventionGenetics, part of Exact Sciences
Classification: Uncertain significance for NRP1-related condition. Last evaluated: 2025-04-30. Review status: criteria provided, single submitter. Criteria: ACMG Guidelines, 2015. Collection method: clinical testing. Allele origin: germline.
Comment: The NRP1 c.1598G>T variant is predicted to result in the amino acid substitution p.Ser533Ile. To our knowledge, this variant has not been reported in the literature or in a large population database (gnomAD), indicating this variant is rare. At this time, the clinical significance of this variant is uncertain due to the absence of conclusive functional and genetic evidence.